The following is an entry in ClinVar:

ClinVar aggregate classification (germline): Likely benign. Review status: criteria provided, multiple submitters, no conflicts (2 of 4 stars). 2 submissions from 2 submitters: Likely benign (2). Last evaluated 2025-10-13.

Conditions:
Hereditary diffuse gastric adenocarcinoma (HDGC). Also called: DIFFUSE GASTRIC AND LOBULAR BREAST CANCER SYNDROME. Identifiers: Orphanet 26106, MedGen C1708349, MONDO:0007648, OMIM 137215.

Submissions (2):

Labcorp Genetics (formerly Invitae), Labcorp
Classification: Likely benign. Last evaluated: 2025-10-13. Review status: criteria provided, single submitter. Criteria: Invitae Variant Classification Sherloc (09022015). Collection method: clinical testing. Allele origin: germline.

Myriad Genetics, Inc.
Classification: Likely benign for Hereditary diffuse gastric adenocarcinoma. Last evaluated: 2024-10-10. Review status: criteria provided, single submitter. Criteria: Myriad Autosomal Dominant, Autosomal Recessive and X-Linked Classification Criteria (2023). Collection method: clinical testing. Allele origin: unknown.
Comment: This variant is considered likely benign. This variant is intronic and is not expected to impact mRNA splicing.

NM_001903.5(CTNNA1):c.859-9dup

Gene: CTNNA1 (catenin alpha 1; plus strand). Cytogenetic location: 5q31.2.
Variant type: Duplication.
Coding change: c.859-9dup on transcript NM_001903.5 (MANE Select); 9 bases into the intron before coding-DNA position 859, one base duplicated (T; older notation c.859-9dupT).
Molecular consequence: intron variant.
Genome position (GRCh38, 1-based): chr5:138,827,506, T duplicated; the last of 3 consecutive T bases (chr5:138,827,504-138,827,506); duplicating any one gives the same sequence. VCF-style (leftmost placement, unchanged base first): chr5-138827503-C-CT. GRCh37 (hg19) VCF-style: chr5-138163192-C-CT.
Other names: c.859-9dup (NM_001323982.2, NM_001323984.2, NM_001290307.3 and 3 more transcripts); c.490-9dup (NM_001290310.3); c.550-9dup (NM_001290309.3).
Identifiers: ClinVar variation 2727598 (VCV002727598.4), dbSNP rs1760840640, ClinGen allele CA1586036885.